The following is an entry in ClinVar:

ClinVar aggregate classification (germline): Likely benign (1 of 4 stars; one submission).

gnomAD v4.1: 21 of 1,611,558 alleles (0.0013%); highest among the groups gnomAD compares: East Asian, 0.0067%; no homozygotes.

Submission:

CeGaT Center for Human Genetics Tuebingen
Classification: Likely benign. Last evaluated: 2024-12-01. Review status: criteria provided, single submitter. Criteria: CeGaT Center For Human Genetics Tuebingen Variant Classification Criteria Version 2. Collection method: clinical testing. Allele origin: germline. Affected: yes. Observed: 1 variant allele.
Comment: NEMF: BP4, BP7

NM_004713.6(NEMF):c.213G>A (p.Pro71=)

Gene: NEMF (nuclear export mediator factor; minus strand). Cytogenetic location: 14q21.3.
Variant type: single nucleotide variant.
Coding change: c.213G>A on transcript NM_004713.6 (MANE Select); coding-DNA position 213, G replaced by A.
Protein change: p.Pro71=; no amino-acid change (proline 71 retained).
Molecular consequence: synonymous variant.
Genome position (GRCh38, 1-based): chr14:49,851,581, C>T on the plus strand (G>A on the coding strand, the complement: NEMF is on the minus strand). VCF-style: chr14-49851581-C-T. GRCh37 (hg19) VCF-style: chr14-50318299-C-T.
Other names: c.213G>A, p.Pro71= (NM_001301732.3).
Identifiers: ClinVar variation 3771429 (VCV003771429.13).